The following is an entry in ClinVar:

NM_001166114.2(PNPLA6):c.3884C>G (p.Thr1295Arg)

Gene: PNPLA6 (patatin like domain 6, lysophospholipase; plus strand). Cytogenetic location: 19p13.2.
Variant type: single nucleotide variant.
Coding change: c.3884C>G on transcript NM_001166114.2 (MANE Select); coding-DNA position 3884, C replaced by G.
Protein change: p.Thr1295Arg; replaces threonine 1295 with arginine.
Molecular consequence: missense variant.
Genome position (GRCh38, 1-based): chr19:7,561,081, C>G. VCF-style: chr19-7561081-C-G. GRCh37 (hg19) VCF-style: chr19-7625967-C-G.
Other names: c.3914C>G, p.Thr1305Arg (NM_001166111.2); c.3689C>G, p.Thr1230Arg (NM_001166112.2); c.3770C>G, p.Thr1257Arg (NM_001166113.1, NM_006702.5); short protein forms T1230R, T1257R, T1295R, T1305R.
Identifiers: ClinVar variation 2418684 (VCV002418684.6), dbSNP rs758549829, ClinGen allele CA403138640.
Genomic context (GRCh38, chr19:7,561,081, plus strand): 5'-CCTTCCCAAGCTCTGGCTTCACTGACTTGGCAGAGATTGTGTCCCGGATTGAGCCCCCCA[C>G]GAGCTATGTCTCTGATGGCTGTGCTGACGGTGAGGGGCCCAGGGGACCCCCCAAGAGGGA-3'
Protein context (NP_001159586.1, residues 1285-1305): AEIVSRIEPP[Thr1295Arg]SYVSDGCADG

ClinVar aggregate classification (germline): Uncertain significance (1 of 4 stars; one submission).

Conditions:
Hereditary spastic paraplegia 39 (SPG39). Also called: SPASTIC PARAPLEGIA 39, AUTOSOMAL RECESSIVE; Spastic Paraplegia Type 39 (SPG39). Identifiers: Orphanet 139480, MedGen C2677586, MONDO:0012787, OMIM 612020.

Submission:

Labcorp Genetics (formerly Invitae), Labcorp
Classification: Uncertain significance for Hereditary spastic paraplegia 39. Last evaluated: 2022-07-18. Review status: criteria provided, single submitter. Criteria: Invitae Variant Classification Sherloc (09022015). Collection method: clinical testing. Allele origin: germline.
Comment: In summary, the available evidence is currently insufficient to determine the role of this variant in disease. Therefore, it has been classified as a Variant of Uncertain Significance. Algorithms developed to predict the effect of missense changes on protein structure and function (SIFT, PolyPhen-2, Align-GVGD) all suggest that this variant is likely to be tolerated. This variant has not been reported in the literature in individuals affected with PNPLA6-related conditions. This variant is not present in population databases (gnomAD no frequency). This sequence change replaces threonine, which is neutral and polar, with arginine, which is basic and polar, at codon 1257 of the PNPLA6 protein (p.Thr1257Arg).